The following is an entry in ClinVar:

NM_006231.4(POLE):c.3196G>C (p.Asp1066His)

Gene: POLE (DNA polymerase epsilon, catalytic subunit; minus strand). Cytogenetic location: 12q24.33.
Variant type: single nucleotide variant.
Coding change: c.3196G>C on transcript NM_006231.4 (MANE Select); coding-DNA position 3196, G replaced by C.
Protein change: p.Asp1066His; replaces aspartic acid 1066 with histidine.
Molecular consequence: missense variant.
Genome position (GRCh38, 1-based): chr12:132,659,374, C>G on the plus strand (G>C on the coding strand, the complement: POLE is on the minus strand). VCF-style: chr12-132659374-C-G. GRCh37 (hg19) VCF-style: chr12-133235960-C-G.
Other names: short protein forms D1066H.
Identifiers: ClinVar variation 4805843 (VCV004805843.1).

ClinVar aggregate classification (germline): Uncertain significance (1 of 4 stars; one submission).

Submission:

Labcorp Genetics (formerly Invitae), Labcorp
Classification: Uncertain significance. Last evaluated: 2025-10-10. Review status: criteria provided, single submitter. Criteria: Invitae Variant Classification Sherloc (09022015). Collection method: clinical testing. Allele origin: germline.
Comment: This sequence change replaces aspartic acid, which is acidic and polar, with histidine, which is basic and polar, at codon 1066 of the POLE protein (p.Asp1066His). This variant is not present in population databases (gnomAD no frequency). This variant has not been reported in the literature in individuals affected with POLE-related conditions. Invitae Evidence Modeling of protein sequence and biophysical properties (such as structural, functional, and spatial information, amino acid conservation, physicochemical variation, residue mobility, and thermodynamic stability) indicates that this missense variant is expected to disrupt POLE protein function with a positive predictive value of 80%. In summary, the available evidence is currently insufficient to determine the role of this variant in disease. Therefore, it has been classified as a Variant of Uncertain Significance.